The following is an entry in ClinVar:

ClinVar aggregate classification (germline): Likely benign. Review status: criteria provided, multiple submitters, no conflicts (2 of 4 stars). 2 submissions from 2 submitters: Likely benign (2). Last evaluated 2024-12-04.

Submissions (2):

Women's Health and Genetics/Laboratory Corporation of America, LabCorp
Classification: Likely benign. Last evaluated: 2024-12-04. Review status: criteria provided, single submitter. Criteria: LabCorp Variant Classification Summary - May 2015. Collection method: clinical testing. Allele origin: germline.
Comment: Variant summary: SON c.831A>G alters a non-conserved nucleotide resulting in a synonymous change. The variant was absent in 251190 control chromosomes. The available data on variant occurrences in the general population are insufficient to allow any conclusion about variant significance. To our knowledge, no occurrence of c.831A>G in individuals affected with ZTTK Syndrome and no experimental evidence demonstrating its impact on protein function have been reported. ClinVar contains an entry for this variant (Variation ID: 2816252). Based on the evidence outlined above, the variant was classified as likely benign.

Labcorp Genetics (formerly Invitae), Labcorp
Classification: Likely benign. Last evaluated: 2023-02-11. Review status: criteria provided, single submitter. Criteria: Invitae Variant Classification Sherloc (09022015). Collection method: clinical testing. Allele origin: germline.

NM_138927.4(SON):c.831A>G (p.Lys277=)

Gene: SON (SON DNA and RNA binding protein; plus strand). Cytogenetic location: 21q22.11.
Variant type: single nucleotide variant.
Coding change: c.831A>G on transcript NM_138927.4 (MANE Select); coding-DNA position 831, A replaced by G.
Protein change: p.Lys277=; no amino-acid change (lysine 277 retained).
Molecular consequence: synonymous variant. On other transcripts: non-coding transcript variant (1), intron variant (1).
Genome position (GRCh38, 1-based): chr21:33,550,062, A>G. VCF-style: chr21-33550062-A-G. GRCh37 (hg19) VCF-style: chr21-34922368-A-G.
Other names: c.831A>G, p.Lys277= (NM_001291411.2, NM_001412133.1, NM_032195.3 and 2 more transcripts); c.244+3683A>G (NM_001291412.3).
Identifiers: ClinVar variation 2816252 (VCV002816252.4), dbSNP rs2517348285, ClinGen allele CA512335971.
Genomic context (GRCh38, chr21:33,550,062, plus strand): 5'-GAAGTCATCTGAGCCAGTTGTAACAATGTCAGTGGAGTATCAGATGAAGTCTGTGCTGAA[A>G]TCTGTGGAGAGCACATCTCCAGAGCCATCAAAGATCATGTTGGTAGAGCCCCCAGTAGCA-3'
Protein context (NP_620305.3, residues 267-287): SVEYQMKSVL[Lys277=]SVESTSPEPS